The following is an entry in ClinVar:

NM_000051.4(ATM):c.1799A>G (p.His600Arg)

Gene: ATM (ATM serine/threonine kinase; plus strand). Cytogenetic location: 11q22.3.
Variant type: single nucleotide variant.
Coding change: c.1799A>G on transcript NM_000051.4 (MANE Select); coding-DNA position 1799, A replaced by G.
Protein change: p.His600Arg; replaces histidine 600 with arginine.
Molecular consequence: missense variant.
Genome position (GRCh38, 1-based): chr11:108,252,028, A>G. VCF-style: chr11-108252028-A-G. GRCh37 (hg19) VCF-style: chr11-108122755-A-G.
Other names: c.1799A>G, p.His600Arg (NM_001351834.2); short protein forms H600R.
Identifiers: ClinVar variation 849936 (VCV000849936.13), dbSNP rs2080180530, ClinGen allele CA382535585.
Genomic context (GRCh38, chr11:108,252,028, plus strand): 5'-TCTTATTCTATCAGTTAGAGGGTGACTTAGAAAATAGCACAGAAGTGCCTCCAATTCTTC[A>G]CAGGTAATTTAAGTTCATTAGCATGCTGCTGTTTTTTTTGTTTGTTTTATCAGGCTCTCT-3'
Protein context (NP_000042.3, residues 590-610): ENSTEVPPIL[His600Arg]SNFPHLVLEK

ClinVar aggregate classification (germline): Conflicting classifications of pathogenicity. Review status: criteria provided, conflicting classifications (1 of 4 stars). 3 submissions from 3 submitters: Uncertain significance (2); Likely benign (1). Last evaluated 2025-11-06.

Conditions:
Hereditary cancer-predisposing syndrome. Also called: Neoplastic Syndromes, Hereditary; Hereditary Cancer Syndrome; Hereditary neoplastic syndrome; Tumor predisposition. Identifiers: Orphanet 140162, MedGen C0027672, MeSH D009386, MONDO:0015356.
Ataxia-telangiectasia syndrome (AT). Also called: Ataxia-telangiectasia, complementation group E; Cerebello-oculocutaneous telangiectasia; Immunodeficiency with ataxia telangiectasia; Ataxia-telangiectasia, complementation group D; AT, COMPLEMENTATION GROUP C; Ataxia-telangiectasia. Identifiers: Orphanet 100, MedGen C0004135, MONDO:0008840, OMIM 208900.

gnomAD v4.1: 3 of 1,611,500 alleles (0.00019%); highest among the groups gnomAD compares: Non-Finnish European, 0.00025%; no homozygotes.

Submissions (3):

Ambry Genetics
Classification: Likely benign for Hereditary cancer-predisposing syndrome. Last evaluated: 2025-11-06. Review status: criteria provided, single submitter. Criteria: Ambry Variant Classification Scheme 2023. Collection method: clinical testing. Allele origin: germline.

Labcorp Genetics (formerly Invitae), Labcorp
Classification: Uncertain significance for Ataxia-telangiectasia syndrome. Last evaluated: 2021-12-17. Review status: criteria provided, single submitter. Criteria: Invitae Variant Classification Sherloc (09022015). Collection method: clinical testing. Allele origin: germline.
Comment: In summary, the available evidence is currently insufficient to determine the role of this variant in disease. Therefore, it has been classified as a Variant of Uncertain Significance. Advanced modeling of protein sequence and biophysical properties (such as structural, functional, and spatial information, amino acid conservation, physicochemical variation, residue mobility, and thermodynamic stability) performed at Invitae indicates that this missense variant is not expected to disrupt ATM protein function. ClinVar contains an entry for this variant (Variation ID: 849936). This variant has not been reported in the literature in individuals affected with ATM-related conditions. This variant is not present in population databases (gnomAD no frequency). This sequence change replaces histidine, which is basic and polar, with arginine, which is basic and polar, at codon 600 of the ATM protein (p.His600Arg).

GeneDx
Classification: Uncertain significance. Last evaluated: 2020-03-17. Review status: criteria provided, single submitter. Criteria: GeneDx Variant Classification Process June 2021. Collection method: clinical testing. Allele origin: germline. Affected: yes.
Comment: Not observed in large population cohorts (Lek 2016); In silico analysis supports that this missense variant does not alter protein structure/function; Has not been previously published as pathogenic or benign to our knowledge

Literature cited by the submitters: PubMed 40580951 (cited by Ambry Genetics).